The following is an entry in ClinVar:

NM_002878.4(RAD51D):c.350G>T (p.Cys117Phe)

Genes: RAD51D (RAD51 paralog D; minus strand), RAD51L3-RFFL (RAD51L3-RFFL readthrough; minus strand). Cytogenetic location: 17q12.
Variant type: single nucleotide variant.
Coding change: c.350G>T on transcript NM_002878.4 (MANE Select); coding-DNA position 350, G replaced by T.
Protein change: p.Cys117Phe; replaces cysteine 117 with phenylalanine.
Molecular consequence: missense variant. On other transcripts: non-coding transcript variant (1), intron variant (1).
Genome position (GRCh38, 1-based): chr17:35,107,118, C>A on the plus strand (G>T on the coding strand, the complement: RAD51D is on the minus strand). VCF-style: chr17-35107118-C-A. GRCh37 (hg19) VCF-style: chr17-33434137-C-A.
Other names: c.410G>T, p.Cys137Phe (NM_001142571.2); c.145-637G>T (NM_133629.3); short protein forms C117F, C137F.
Identifiers: ClinVar variation 2840196 (VCV002840196.3), dbSNP rs2142434017, ClinGen allele CA399089401.
Genomic context (GRCh38, chr17:35,107,118, plus strand): 5'-GAATCTACATATAGGACGTTTTGCTGCAGGCCATGGGCCACATTTGCTGCCATACAGAGA[C>A]ATACCTGGGGGTGGGGGCATTGGATGAACTTGACACTTCAGAGAGGGTCCAGATGGGAGC-3'
Protein context (NP_002869.3, residues 107-127): GGPGSGKTQV[Cys117Phe]LCMAANVAHG

ClinVar aggregate classification (germline): Uncertain significance (1 of 4 stars; one submission).

Conditions:
Breast-ovarian cancer, familial, susceptibility to, 4. Identifiers: Orphanet 145, MedGen C3280345, MONDO:0013669, OMIM 614291.

Submission:

Labcorp Genetics (formerly Invitae), Labcorp
Classification: Uncertain significance for Breast-ovarian cancer, familial, susceptibility to, 4. Last evaluated: 2024-05-05. Review status: criteria provided, single submitter. Criteria: Invitae Variant Classification Sherloc (09022015). Collection method: clinical testing. Allele origin: germline.
Comment: This sequence change replaces cysteine, which is neutral and slightly polar, with phenylalanine, which is neutral and non-polar, at codon 117 of the RAD51D protein (p.Cys117Phe). This variant is not present in population databases (gnomAD no frequency). This variant has not been reported in the literature in individuals affected with RAD51D-related conditions. Advanced modeling of protein sequence and biophysical properties (such as structural, functional, and spatial information, amino acid conservation, physicochemical variation, residue mobility, and thermodynamic stability) performed at Invitae indicates that this missense variant is expected to disrupt RAD51D protein function with a positive predictive value of 80%. In summary, the available evidence is currently insufficient to determine the role of this variant in disease. Therefore, it has been classified as a Variant of Uncertain Significance.